The following is an entry in ClinVar:

NM_032119.4(ADGRV1):c.6127G>A (p.Ala2043Thr)

Gene: ADGRV1 (adhesion G protein-coupled receptor V1; plus strand). Cytogenetic location: 5q14.3.
Variant type: single nucleotide variant.
Coding change: c.6127G>A on transcript NM_032119.4 (MANE Select); coding-DNA position 6127, G replaced by A.
Protein change: p.Ala2043Thr; replaces alanine 2043 with threonine.
Molecular consequence: missense variant. On other transcripts: non-coding transcript variant (1).
Genome position (GRCh38, 1-based): chr5:90,684,048, G>A. VCF-style: chr5-90684048-G-A. GRCh37 (hg19) VCF-style: chr5-89979865-G-A.
Other names: short protein forms A2043T.
Identifiers: ClinVar variation 2414534 (VCV002414534.3), dbSNP rs1244436718, ClinGen allele CA360414184.

ClinVar aggregate classification (germline): Uncertain significance (1 of 4 stars; one submission).

Allele frequency attached by ClinVar (database versions not stated): gnomAD exomes 0.00001.
gnomAD v4.1: 7 of 1,613,914 alleles (0.00043%); highest among the groups gnomAD compares: African/African-American, 0.0013%; no homozygotes.

Submission:

Labcorp Genetics (formerly Invitae), Labcorp
Classification: Uncertain significance. Last evaluated: 2022-01-28. Review status: criteria provided, single submitter. Criteria: Invitae Variant Classification Sherloc (09022015). Collection method: clinical testing. Allele origin: germline.
Comment: This sequence change replaces alanine, which is neutral and non-polar, with threonine, which is neutral and polar, at codon 2043 of the ADGRV1 protein (p.Ala2043Thr). This variant is present in population databases (no rsID available, gnomAD 0.0009%). This variant has not been reported in the literature in individuals affected with ADGRV1-related conditions. Algorithms developed to predict the effect of missense changes on protein structure and function output the following: SIFT: "Tolerated"; PolyPhen-2: "Probably Damaging"; Align-GVGD: "Class C0". The threonine amino acid residue is found in multiple mammalian species, which suggests that this missense change does not adversely affect protein function. In summary, the available evidence is currently insufficient to determine the role of this variant in disease. Therefore, it has been classified as a Variant of Uncertain Significance.